The following is an entry in ClinVar:

ClinVar aggregate classification (germline): Likely benign (1 of 4 stars; one submission).

Allele frequency attached by ClinVar (database versions not stated): 1000 Genomes Project 30x 0.00531; 1000 Genomes Project 0.00539; TOPMed 0.01269; gnomAD 0.01414 and 0.01461.
gnomAD v4.1: 2,141 of 152,354 alleles (1.4%); highest among the groups gnomAD compares: Non-Finnish European, 2.3%; 22 homozygotes.

Submission:

GeneDx
Classification: Likely benign. Last evaluated: 2018-06-19. Review status: criteria provided, single submitter. Criteria: GeneDx Variant Classification (06012015). Collection method: clinical testing. Allele origin: germline. Affected: yes.
Comment: This variant is considered likely benign or benign based on one or more of the following criteria: it is a conservative change, it occurs at a poorly conserved position in the protein, it is predicted to be benign by multiple in silico algorithms, and/or has population frequency not consistent with disease.

NM_000337.6(SGCD):c.4-169A>C

Gene: SGCD (sarcoglycan delta; plus strand). Cytogenetic location: 5q33.3.
Variant type: single nucleotide variant.
Coding change: c.4-169A>C on transcript NM_000337.6 (MANE Select); 169 bases into the intron before coding-DNA position 4, A replaced by C.
Molecular consequence: intron variant.
Genome position (GRCh38, 1-based): chr5:156,344,320, A>C. VCF-style: chr5-156344320-A-C. GRCh37 (hg19) VCF-style: chr5-155771330-A-C.
Other names: c.1-169A>C (NM_001128209.2); c.4-169A>C (NM_172244.3).
Identifiers: ClinVar variation 675240 (VCV000675240.1), dbSNP rs76348482, ClinGen allele CA130594197.